The following is an entry in ClinVar:

ClinVar aggregate classification (germline): Uncertain significance (1 of 4 stars; one submission).

Conditions:
Developmental and epileptic encephalopathy, 2 (DEE2). Also called: INFANTILE SPASM SYNDROME, X-LINKED 2; CDKL5 deficiency disorder. Identifiers: Orphanet 1934, Orphanet 3451, Orphanet 505652, MedGen C4750718, MONDO:0010396, OMIM 300672.
Angelman syndrome-like. Identifiers: MedGen CN128785.

Submission:

Labcorp Genetics (formerly Invitae), Labcorp
Classification: Uncertain significance for Developmental and epileptic encephalopathy, 2; Angelman syndrome-like. Last evaluated: 2022-12-03. Review status: criteria provided, single submitter. Criteria: Invitae Variant Classification Sherloc (09022015). Collection method: clinical testing. Allele origin: germline.
Comment: This variant has not been reported in the literature in individuals affected with CDKL5-related conditions. This variant is not present in population databases (gnomAD no frequency). This sequence change replaces glycine, which is neutral and non-polar, with glutamic acid, which is acidic and polar, at codon 106 of the CDKL5 protein (p.Gly106Glu). Advanced modeling of protein sequence and biophysical properties (such as structural, functional, and spatial information, amino acid conservation, physicochemical variation, residue mobility, and thermodynamic stability) performed at Invitae indicates that this missense variant is expected to disrupt CDKL5 protein function. In summary, the available evidence is currently insufficient to determine the role of this variant in disease. Therefore, it has been classified as a Variant of Uncertain Significance.

NM_001323289.2(CDKL5):c.317G>A (p.Gly106Glu)

Gene: CDKL5 (cyclin dependent kinase like 5; plus strand). Cytogenetic location: Xp22.13.
Variant type: single nucleotide variant.
Coding change: c.317G>A on transcript NM_001323289.2 (MANE Select); coding-DNA position 317, G replaced by A.
Protein change: p.Gly106Glu; replaces glycine 106 with glutamic acid.
Molecular consequence: missense variant.
Genome position (GRCh38, 1-based): chrX:18,579,882, G>A. VCF-style: chrX-18579882-G-A. GRCh37 (hg19) VCF-style: chrX-18598002-G-A.
Other names: c.317G>A, p.Gly106Glu (NM_001037343.2, NM_003159.3); short protein forms G106E.
Identifiers: ClinVar variation 2942042 (VCV002942042.3), dbSNP rs2518849169, ClinGen allele CA412349959.